The following is an entry in ClinVar:

ClinVar aggregate classification (germline): Uncertain significance (1 of 4 stars; one submission).

Submission:

Labcorp Genetics (formerly Invitae), Labcorp
Classification: Uncertain significance. Last evaluated: 2022-02-07. Review status: criteria provided, single submitter. Criteria: Invitae Variant Classification Sherloc (09022015). Collection method: clinical testing. Allele origin: germline.
Comment: This sequence change replaces alanine, which is neutral and non-polar, with valine, which is neutral and non-polar, at codon 1484 of the HSPG2 protein (p.Ala1484Val). This variant is not present in population databases (gnomAD no frequency). In summary, the available evidence is currently insufficient to determine the role of this variant in disease. Therefore, it has been classified as a Variant of Uncertain Significance. Algorithms developed to predict the effect of sequence changes on RNA splicing suggest that this variant may create or strengthen a splice site. Algorithms developed to predict the effect of missense changes on protein structure and function output the following: SIFT: "Tolerated"; PolyPhen-2: "Benign"; Align-GVGD: "Class C0". The valine amino acid residue is found in multiple mammalian species, which suggests that this missense change does not adversely affect protein function. This variant has not been reported in the literature in individuals affected with HSPG2-related conditions.

NM_005529.7(HSPG2):c.4451C>T (p.Ala1484Val)

Gene: HSPG2 (heparan sulfate proteoglycan 2; minus strand). Cytogenetic location: 1p36.12.
Variant type: single nucleotide variant.
Coding change: c.4451C>T on transcript NM_005529.7 (MANE Select); coding-DNA position 4451, C replaced by T.
Protein change: p.Ala1484Val; replaces alanine 1484 with valine.
Molecular consequence: missense variant.
Genome position (GRCh38, 1-based): chr1:21,865,018, G>A on the plus strand (C>T on the coding strand, the complement: HSPG2 is on the minus strand). VCF-style: chr1-21865018-G-A. GRCh37 (hg19) VCF-style: chr1-22191511-G-A.
Other names: c.4454C>T, p.Ala1485Val (NM_001291860.2); short protein forms A1484V, A1485V.
Identifiers: ClinVar variation 2081956 (VCV002081956.4), dbSNP rs2550724908, ClinGen allele CA338955228.